The following is an entry in ClinVar:

ClinVar aggregate classification (germline): Benign/Likely benign. Review status: criteria provided, multiple submitters, no conflicts (2 of 4 stars). 3 submissions from 3 submitters: Benign (1); Likely benign (2). Last evaluated 2024-12-18.

Conditions:
Hereditary nonpolyposis colorectal neoplasms. Identifiers: MedGen C0009405, MeSH D003123.
Hereditary cancer-predisposing syndrome. Also called: Neoplastic Syndromes, Hereditary; Hereditary Cancer Syndrome; Hereditary neoplastic syndrome; Tumor predisposition. Identifiers: Orphanet 140162, MedGen C0027672, MeSH D009386, MONDO:0015356.
Lynch syndrome 5 (LYNCH5). Also called: Colorectal cancer, hereditary nonpolyposis, type 5; Hereditary non-polyposis colorectal cancer, type 5. Identifiers: Orphanet 144, MedGen C1833477, MONDO:0013710, OMIM 614350. Disease mechanism: loss of function.

Submissions (3):

Myriad Genetics, Inc.
Classification: Benign for Lynch syndrome 5. Last evaluated: 2024-12-18. Review status: criteria provided, single submitter. Criteria: Myriad Autosomal Dominant, Autosomal Recessive and X-Linked Classification Criteria (2023). Collection method: clinical testing. Allele origin: unknown.
Comment: This variant is considered benign. This variant is a silent/synonymous amino acid change and it is not expected to impact splicing.

Labcorp Genetics (formerly Invitae), Labcorp
Classification: Likely benign for Hereditary nonpolyposis colorectal neoplasms. Last evaluated: 2024-07-08. Review status: criteria provided, single submitter. Criteria: Invitae Variant Classification Sherloc (09022015). Collection method: clinical testing. Allele origin: germline.

Ambry Genetics
Classification: Likely benign for Hereditary cancer-predisposing syndrome. Last evaluated: 2022-10-08. Review status: criteria provided, single submitter. Criteria: Ambry Variant Classification Scheme 2023. Collection method: clinical testing. Allele origin: germline.

NM_000179.3(MSH6):c.327G>A (p.Leu109=)

Gene: MSH6 (mutS homolog 6; plus strand). Cytogenetic location: 2p16.3.
Variant type: single nucleotide variant.
Coding change: c.327G>A on transcript NM_000179.3 (MANE Select); coding-DNA position 327, G replaced by A.
Protein change: p.Leu109=; no amino-acid change (leucine 109 retained).
Molecular consequence: synonymous variant. On other transcripts: 5 prime UTR variant (2), intron variant (1).
Genome position (GRCh38, 1-based): chr2:47,790,993, G>A. VCF-style: chr2-47790993-G-A. GRCh37 (hg19) VCF-style: chr2-48018132-G-A.
Other names: c.-410G>A (NM_001281493.2); c.-576G>A (NM_001281494.2); c.237+7523G>A (NM_001281492.2).
Identifiers: ClinVar variation 934799 (VCV000934799.13), dbSNP rs1668689995, ClinGen allele CA425989367.